The following is an entry in ClinVar:

ClinVar aggregate classification (germline): Uncertain significance (1 of 4 stars; one submission).

Submission:

Labcorp Genetics (formerly Invitae), Labcorp
Classification: Uncertain significance. Last evaluated: 2023-07-28. Review status: criteria provided, single submitter. Criteria: Invitae Variant Classification Sherloc (09022015). Collection method: clinical testing. Allele origin: germline.
Comment: This variant has not been reported in the literature in individuals affected with CAD-related conditions. Algorithms developed to predict the effect of sequence changes on RNA splicing suggest that this variant may create or strengthen a splice site. In summary, the available evidence is currently insufficient to determine the role of this variant in disease. Therefore, it has been classified as a Variant of Uncertain Significance. This sequence change falls in intron 25 of the CAD gene. It does not directly change the encoded amino acid sequence of the CAD protein. This variant is not present in population databases (gnomAD no frequency).

NM_004341.5(CAD):c.4074+19C>G

Gene: CAD (carbamoyl-phosphate synthetase 2, aspartate transcarbamylase, and dihydroorotase; plus strand). Cytogenetic location: 2p23.3.
Variant type: single nucleotide variant.
Coding change: c.4074+19C>G on transcript NM_004341.5 (MANE Select); 19 bases into the intron after coding-DNA position 4074, C replaced by G.
Molecular consequence: intron variant.
Genome position (GRCh38, 1-based): chr2:27,235,659, C>G. VCF-style: chr2-27235659-C-G. GRCh37 (hg19) VCF-style: chr2-27458527-C-G.
Other names: c.3885+19C>G (NM_001306079.2).
Identifiers: ClinVar variation 2717262 (VCV002717262.3), dbSNP rs2465338283, ClinGen allele CA2697547913.